The following is an entry in ClinVar:

NM_004055.5(CAPN5):c.861C>T (p.Gly287=)

Gene: CAPN5 (calpain 5; plus strand). Cytogenetic location: 11q13.5.
Variant type: single nucleotide variant.
Coding change: c.861C>T on transcript NM_004055.5 (MANE Select); coding-DNA position 861, C replaced by T.
Protein change: p.Gly287=; no amino-acid change (glycine 287 retained).
Molecular consequence: synonymous variant. On other transcripts: non-coding transcript variant (1).
Genome position (GRCh38, 1-based): chr11:77,115,556, C>T. VCF-style: chr11-77115556-C-T. GRCh37 (hg19) VCF-style: chr11-76826602-C-T.
Other names: c.981C>T, p.Gly327= (NM_001425321.1); c.861C>T, p.Gly287= (NM_001425322.1); c.729C>T, p.Gly243= (NM_001425323.1).
Identifiers: ClinVar variation 4740239 (VCV004740239.1).
Genomic context (GRCh38, chr11:77,115,556, plus strand): 5'-CCTACTGGCCTTCTTCAAGTCAGAGAAGTTGGACATGATCCGCCTGCGCAACCCCTGGGG[C>T]GAGCGGGAGTGGAACGGGCCCTGGAGTGACACGTGAGGCCTGGGGATGGGGGTGCAGGCA-3'
Protein context (NP_004046.2, residues 277-297): LDMIRLRNPW[Gly287=]EREWNGPWSD

ClinVar aggregate classification (germline): Uncertain significance (1 of 4 stars; one submission).

gnomAD v4.1: 15 of 1,612,330 alleles (0.00093%); highest among the groups gnomAD compares: East Asian, 0.0089%; no homozygotes.

Submission:

Labcorp Genetics (formerly Invitae), Labcorp
Classification: Uncertain significance. Last evaluated: 2025-10-27. Review status: criteria provided, single submitter. Criteria: Invitae Variant Classification Sherloc (09022015). Collection method: clinical testing. Allele origin: germline.
Comment: This sequence change affects codon 287 of the CAPN5 mRNA. It is a 'silent' change, meaning that it does not change the encoded amino acid sequence of the CAPN5 protein. This variant is present in population databases (rs782187716, gnomAD 0.0009%). This variant has not been reported in the literature in individuals affected with CAPN5-related conditions. Algorithms developed to predict the effect of sequence changes on RNA splicing suggest that this variant may disrupt the consensus splice site. In summary, the available evidence is currently insufficient to determine the role of this variant in disease. Therefore, it has been classified as a Variant of Uncertain Significance.